The following is an entry in ClinVar:

ClinVar aggregate classification (germline): Uncertain significance (1 of 4 stars; one submission).

Conditions:
Intellectual developmental disorder, autosomal dominant 1. Also called: MBD5 Haploinsufficiency; Intellectual disability, autosomal dominant 1. Identifiers: Orphanet 228402, MedGen C1969562, MONDO:0007974, OMIM 156200.

Allele frequency attached by ClinVar (database versions not stated): TOPMed below 0.00001.

Submission:

Labcorp Genetics (formerly Invitae), Labcorp
Classification: Uncertain significance for Intellectual developmental disorder, autosomal dominant 1. Last evaluated: 2023-12-23. Review status: criteria provided, single submitter. Criteria: Invitae Variant Classification Sherloc (09022015). Collection method: clinical testing. Allele origin: germline.
Comment: This sequence change replaces asparagine, which is neutral and polar, with lysine, which is basic and polar, at codon 907 of the MBD5 protein (p.Asn907Lys). This variant is not present in population databases (gnomAD no frequency). This variant has not been reported in the literature in individuals affected with MBD5-related conditions. Advanced modeling of protein sequence and biophysical properties (such as structural, functional, and spatial information, amino acid conservation, physicochemical variation, residue mobility, and thermodynamic stability) performed at Invitae indicates that this missense variant is not expected to disrupt MBD5 protein function with a negative predictive value of 80%. In summary, the available evidence is currently insufficient to determine the role of this variant in disease. Therefore, it has been classified as a Variant of Uncertain Significance.

NM_001378120.1(MBD5):c.2721C>A (p.Asn907Lys)

Gene: MBD5 (methyl-CpG binding domain protein 5; plus strand). Cytogenetic location: 2q23.1.
Variant type: single nucleotide variant.
Coding change: c.2721C>A on transcript NM_001378120.1 (MANE Select); coding-DNA position 2721, C replaced by A.
Protein change: p.Asn907Lys; replaces asparagine 907 with lysine.
Molecular consequence: missense variant.
Genome position (GRCh38, 1-based): chr2:148,483,312, C>A. VCF-style: chr2-148483312-C-A. GRCh37 (hg19) VCF-style: chr2-149240881-C-A.
Other names: c.2721C>A, p.Asn907Lys (NM_018328.5); short protein forms N907K.
Identifiers: ClinVar variation 2790174 (VCV002790174.3), dbSNP rs1011958866, ClinGen allele CA57592839.